The following is an entry in ClinVar:

NM_001042492.3(NF1):c.5199_5230delinsTGCT (p.Leu1733fs)

Gene: NF1 (neurofibromin 1; plus strand). Cytogenetic location: 17q11.2.
Variant type: Indel.
Coding change: c.5199_5230delinsTGCT on transcript NM_001042492.3 (MANE Select); coding-DNA positions 5199 to 5230, the reference bases replaced by TGCT.
Protein change: p.Leu1733fs; shifts the reading frame from leucine 1733.
Molecular consequence: frameshift variant.
Genome position (GRCh38, 1-based): chr17:31,326,183-31,326,214, 32 bases replaced. GRCh37 (hg19): chr17:29,653,201-29,653,232.
Other names: c.5136_5167del32insTGCT, p.Leu1712Phefs (NM_000267.4); short protein forms L1733fs, L1712fs.
Identifiers: ClinVar variation 965757 (VCV000965757.5), dbSNP rs2069336948, ClinGen allele CA1139665386.

ClinVar aggregate classification (germline): Pathogenic (1 of 4 stars; one submission).

Conditions:
Neurofibromatosis, type 1 (NF1). Also called: Neurofibromatosis, type I; Peripheral type neurofibromatosis; VON RECKLINGHAUSEN DISEASE; NEUROFIBROMATOSIS, TYPE I, SOMATIC. Identifiers: Orphanet 636, MedGen C0027831, MONDO:0018975, OMIM 162200. Disease mechanism: loss of function.

Submission:

Labcorp Genetics (formerly Invitae), Labcorp
Classification: Pathogenic for Neurofibromatosis, type 1. Last evaluated: 2025-09-02. Review status: criteria provided, single submitter. Criteria: Invitae Variant Classification Sherloc (09022015). Collection method: clinical testing. Allele origin: germline.
Comment: This sequence change creates a premature translational stop signal (p.Leu1712Phefs*5) in the NF1 gene. It is expected to result in an absent or disrupted protein product. Loss-of-function variants in NF1 are known to be pathogenic (PMID: 10712197, 23913538). Information on the frequency of this variant in the gnomAD database is not available, as this variant may be reported differently in the database. This variant has not been reported in the literature in individuals affected with NF1-related conditions. For these reasons, this variant has been classified as Pathogenic.

Literature cited by the submitters: PubMed 10712197; PubMed 23913538.